The following is an entry in ClinVar:

ClinVar aggregate classification (germline): Likely benign (1 of 4 stars; one submission).

Submission:

CeGaT Center for Human Genetics Tuebingen
Classification: Likely benign. Last evaluated: 2022-04-01. Review status: criteria provided, single submitter. Criteria: CeGaT Center For Human Genetics Tuebingen Variant Classification Criteria Version 2. Collection method: clinical testing. Allele origin: germline. Affected: yes. Observed: 1 variant allele.
Comment: MUC8: BP4, BP7

NC_000012.12:g.132472799T>C

Gene: MUC8 (mucin 8; minus strand). Cytogenetic location: 12q24.33.
Variant type: single nucleotide variant.
Genome position: GRCh38 VCF-style: chr12-132472799-T-C. GRCh37 (hg19) VCF-style: chr12-133049385-T-C.
Identifiers: ClinVar variation 2643637 (VCV002643637.24), dbSNP rs1873858227, ClinGen allele CA482704877.
Genomic context (GRCh38, chr12:132,472,799, plus strand): 5'-GCCTGTTCCTCATCTTTCTTCTGATTTACACAAAGGCACGATGTGGGCCGGCAGGAGACC[T>C]GAACCCGGGGTCCCTTCCTGGAAAGTGCGTGGGCAGCTCGTGAACCCGGTGTCCCCTCCT-3'